The following is an entry in ClinVar:

ClinVar aggregate classification (germline): Pathogenic/Likely pathogenic. Review status: criteria provided, multiple submitters, no conflicts (2 of 4 stars). 4 submissions from 4 submitters: Pathogenic (1); Likely pathogenic (2). 1 of the submissions does not count toward it. Last evaluated 2024-06-25.

Conditions:
Sialic acid storage disease, severe infantile type (ISSD). Also called: SIALURIA, INFANTILE FORM; Infantile Sialic Acid Storage Disease; Free sialic acid storage disease, infantile form; INFANTILE SIALIC ACID STORAGE DISORDER; N-ACETYLNEURAMINIC ACID STORAGE DISEASE; NANA STORAGE DISEASE. Identifiers: Orphanet 309324, Orphanet 834, MedGen C1096902, MONDO:0010027, OMIM 269920.
Salla disease (SD). Also called: Sialuria, Finnish type; N-acetylneuraminic acid (NANA) storage disease (NSD); Infantile sialic acid storage disorder (ISSD); Less Severe FSASD (Salla Disease). Identifiers: Orphanet 309334, Orphanet 834, MedGen C1096903, MONDO:0011449, OMIM 604369.

Allele frequency attached by ClinVar (database versions not stated): ExAC 0.00001; gnomAD 0.00001.
gnomAD v4.1: 3 of 1,613,830 alleles (0.00019%); highest among the groups gnomAD compares: Non-Finnish European, 0.00025%; no homozygotes.

Submissions (4):

Natera, Inc.
Classification: Likely pathogenic for Salla disease. Last evaluated: 2024-06-25. Review status: criteria provided, single submitter. Criteria: Natera Variant Classification Schema (03/2026). Collection method: clinical testing. Allele origin: germline.
Comment: The c.1111+1G>A variant in SLC17A5 is a canonical splice donor site variant predicted to affect pre-mRNA splicing, which may result in an abnormal transcript and altered protein product. This variant is expected to result in nonsense mediated decay, truncation, or a dysfunctional protein product. This variant is rare in the general population with a frequency below the threshold expected for the associated phenotype(s). Given the available evidence, this variant is classified as Likely Pathogenic.

Labcorp Genetics (formerly Invitae), Labcorp
Classification: Likely pathogenic for Salla disease. Last evaluated: 2024-02-10. Review status: criteria provided, single submitter. Criteria: Invitae Variant Classification Sherloc (09022015). Collection method: clinical testing. Allele origin: germline.
Comment: This sequence change affects a donor splice site in intron 8 of the SLC17A5 gene. It is expected to disrupt RNA splicing. Variants that disrupt the donor or acceptor splice site typically lead to a loss of protein function (PMID: 16199547), and loss-of-function variants in SLC17A5 are known to be pathogenic (PMID: 10581036, 10947946, 15172001). This variant is present in population databases (rs777862172, gnomAD 0.0009%). This variant has not been reported in the literature in individuals affected with SLC17A5-related conditions. ClinVar contains an entry for this variant (Variation ID: 1252085). Algorithms developed to predict the effect of sequence changes on RNA splicing suggest that this variant may disrupt the consensus splice site. In summary, the currently available evidence indicates that the variant is pathogenic, but additional data are needed to prove that conclusively. Therefore, this variant has been classified as Likely Pathogenic.

Baylor Genetics
Classification: Pathogenic for Salla disease. Last evaluated: 2022-02-19. Review status: criteria provided, single submitter. Criteria: ACMG Guidelines, 2015. Collection method: clinical testing. Allele origin: unknown.

Genomic Medicine Center of Excellence, King Faisal Specialist Hospital and Research Centre
Classification: Pathogenic for Sialic acid storage disease, severe infantile type. Last evaluated: 2021-04-29. Review status: no assertion criteria provided. Collection method: research. Allele origin: germline. Affected: yes. Not counted in ClinVar's aggregate classification.

Literature cited by the submitters: PubMed 16199547 (cited by Labcorp Genetics (formerly Invitae), Labcorp); PubMed 10581036 (cited by Labcorp Genetics (formerly Invitae), Labcorp); PubMed 10947946 (cited by Labcorp Genetics (formerly Invitae), Labcorp); PubMed 15172001 (cited by Labcorp Genetics (formerly Invitae), Labcorp).

NM_012434.5(SLC17A5):c.1111+1G>A

Gene: SLC17A5 (solute carrier family 17 member 5; minus strand). Cytogenetic location: 6q13.
Variant type: single nucleotide variant.
Coding change: c.1111+1G>A on transcript NM_012434.5 (MANE Select); the canonical splice donor site of the intron after coding-DNA position 1111, G replaced by A.
Molecular consequence: splice donor variant.
Genome position (GRCh38, 1-based): chr6:73,615,314, C>T on the plus strand (G>A on the coding strand, the complement: SLC17A5 is on the minus strand). VCF-style: chr6-73615314-C-T. GRCh37 (hg19) VCF-style: chr6-74325037-C-T.
Other names: c.793+1G>A (NM_001382636.1); c.880+1G>A (NM_001382629.1); c.1024+1G>A (NM_001382632.1); c.1108+1G>A (NM_001382635.1); c.952+1G>A (NM_001382634.1); c.1111+1G>A (NM_001382630.1, NM_001382633.1, NM_012434.4); c.1132+1G>A (NM_001382631.1).
Identifiers: ClinVar variation 1252085 (VCV001252085.8), dbSNP rs777862172, ClinGen allele CA3890354.